The following is an entry in ClinVar:

NM_003716.4(CADPS):c.1395G>A (p.Glu465=)

Genes: CADPS (calcium dependent secretion activator; minus strand), LOC129936973 (ATAC-STARR-seq lymphoblastoid active region 20030; plus strand). Cytogenetic location: 3p14.2.
Variant type: single nucleotide variant.
Coding change: c.1395G>A on transcript NM_003716.4 (MANE Select); coding-DNA position 1395, G replaced by A.
Protein change: p.Glu465=; no amino-acid change (glutamic acid 465 retained).
Molecular consequence: synonymous variant.
Genome position (GRCh38, 1-based): chr3:62,592,679, C>T on the plus strand (G>A on the coding strand, the complement: CADPS is on the minus strand). VCF-style: chr3-62592679-C-T. GRCh37 (hg19) VCF-style: chr3-62578354-C-T.
Other names: c.1395G>A, p.Glu465= (NM_183393.3, NM_183394.3).
Identifiers: ClinVar variation 3771351 (VCV003771351.13).

ClinVar aggregate classification (germline): Likely benign (1 of 4 stars; one submission).

gnomAD v4.1: 6 of 1,613,982 alleles (0.00037%); highest among the groups gnomAD compares: African/African-American, 0.0013%; no homozygotes.

Submission:

CeGaT Center for Human Genetics Tuebingen
Classification: Likely benign. Last evaluated: 2025-01-01. Review status: criteria provided, single submitter. Criteria: CeGaT Center For Human Genetics Tuebingen Variant Classification Criteria Version 2. Collection method: clinical testing. Allele origin: germline. Affected: yes. Observed: 1 variant allele.
Comment: CADPS: BP4, BP7